The following is an entry in ClinVar:

NM_000152.5(GAA):c.2012T>G (p.Met671Arg)

Gene: GAA (alpha glucosidase; plus strand). Cytogenetic location: 17q25.3.
Variant type: single nucleotide variant.
Coding change: c.2012T>G on transcript NM_000152.5 (MANE Select); coding-DNA position 2012, T replaced by G.
Protein change: p.Met671Arg; replaces methionine 671 with arginine.
Molecular consequence: missense variant.
Genome position (GRCh38, 1-based): chr17:80,112,999, T>G. VCF-style: chr17-80112999-T-G. GRCh37 (hg19) VCF-style: chr17-78086798-T-G.
Other names: NM_000152.5(GAA):c.2012T>G; c.2012T>G, p.Met671Arg (NM_001079803.3, NM_001079804.3, LRG_673t1); short protein forms M671R.
Identifiers: ClinVar variation 92469 (VCV000092469.9), dbSNP rs398123170, ClinGen allele CA220392.
Genomic context (GRCh38, chr17:80,112,999, plus strand): 5'-GCAACACCTCAGAGGAGCTGTGTGTGCGCTGGACCCAGCTGGGGGCCTTCTACCCCTTCA[T>G]GCGGAACCACAACAGCCTGCTCAGTCTGGTAGGGTGGGGGTGGCGGCATGGCAGGTGGGC-3'
Protein context (NP_000143.2, residues 661-681): WTQLGAFYPF[Met671Arg]RNHNSLLSLP

ClinVar aggregate classification (germline): Likely pathogenic. Review status: reviewed by expert panel (3 of 4 stars). 3 submissions from 3 submitters: Likely pathogenic (1). 2 of the submissions do not count toward it. Last evaluated 2026-04-24.

Conditions:
Glycogen storage disease, type II (IOPD). Also called: POMPE DISEASE, INFANTILE-ONSET; GLYCOGEN STORAGE DISEASE II, INFANTILE-ONSET; ACID ALPHA-GLUCOSIDASE DEFICIENCY, INFANTILE-ONSET; GAA DEFICIENCY, INFANTILE-ONSET; ACID MALTASE DEFICIENCY, INFANTILE-ONSET; Pompe Disease. Identifiers: Orphanet 365, MedGen C0017921, MONDO:0009290, OMIM 232300.

Submissions (3):

ClinGen Lysosomal Storage Disorder Variant Curation Expert Panel
Classification: Likely pathogenic for Glycogen storage disease, type II. Last evaluated: 2026-04-24. Review status: reviewed by expert panel. Criteria: clingen_lsd_acmg_specifications_v2-1. Collection method: curation. Allele origin: germline. Inheritance: Autosomal recessive inheritance.
Comment: The NM_000152.5:c.2012T>G variant in GAA is a missense variant predicted to cause substitution of methionine by arginine at amino acid 671 (p.Met671Arg). At least one patient with this variant had documented GAA deficiency with <1% of the normal mean control level of GAA activity in cultured fibroblasts, was diagnosed with infantile onset of Pompe disease, and was reported to be on enzyme replacement therapy for Pompe disease (PMID: 29122469, 16860134). (PP4_Moderate). This patient is compound heterozygous for the variant and a variant that meets the criteria to be classified as pathogenic for Pompe disease by the ClinGen LD VCEP (c.2189+459_3405del, p.Glu730_Cys952del), the phase was unconfirmed (PMID: 29122469) (PM3_Supporting). This variant is absent in gnomAD v4.1.0. (PM2_Supporting). Expression of the variant in COS cells resulted in <2% wild-type GAA activity, indicating that this variant may impact protein function (PMID: 19862843) (PS3_Supporting). The computational predictor REVEL gives a score of 0.864, which is above the threshold of 0.7, evidence that correlates with impact on GAA function (PP3). Three other missense variants in the same codon have been reported in patients with Pompe disease: (c.2012T>C, p.Met671Thr; ClinVar Variation ID: 855859), (c.2012T>A, p.Met671Lys; PMID: 26310554), and (c.2011A>G, p.Met671Val; PMID: 40225932). However, these variants have not yet been classified by the ClinGen Lysosomal Diseases VCEP (PM5 not met). There is a ClinVar entry for this variant (Variation ID: 92469). In summary, this variant meets the criteria to be classified as likely pathogenic for Pompe disease. GAA-specific ACMG/AMP criteria met, based on the specifications of the ClinGen Lysosomal Diseases Variant Curation Expert Panel (Specification Version 2.0): PP4_Moderate, PP3, PS3_Supporting, PM2_Supporting, PM3_Supporting. (Classification approved by the ClinGen Lysosomal Diseases Variant Curation Expert Panel on April 24, 2026)

Genomenon, Inc
Classification: Uncertain significance for Glycogen storage disease, type II. Last evaluated: 2026-07-01. Review status: criteria provided, single submitter. Criteria: Genomenon Sequence Variant Interpretation Standards - Updated. Collection method: curation. Allele origin: germline. Affected: yes. Not counted in ClinVar's aggregate classification.
Comment: GAA p.Met671Arg (c.2012T>G) is a missense variant that changes the amino acid at codon 671 from Methionine to Arginine. This variant has been observed in at least one proband with a GAA-related disorder in the compound heterozygous and/or homozygous state (PMID:31193175). At least one functional study has demonstrated a substantial alteration in protein function relative to the wild-type (PMID:19862843). It is absent or not present at a significant frequency in gnomAD. In silico models predict that this variant is possibly or probably damaging. In conclusion, we classify GAA p.Met671Arg (c.2012T>G) as a variant of uncertain significance.

Eurofins Ntd Llc (ga)
Classification: Pathogenic. Last evaluated: 2012-09-25. Review status: criteria provided, single submitter. Criteria: EGL Classification Definitions. Collection method: clinical testing. Allele origin: germline. Observed: 1 variant allele, 1 heterozygote. Not counted in ClinVar's aggregate classification.

Literature cited by the submitters: PubMed 31193175 (cited by Genomenon, Inc); PubMed 19862843 (cited by Genomenon, Inc).